The following is an entry in ClinVar:

NM_152296.5(ATP1A3):c.2723G>C (p.Cys908Ser)

Gene: ATP1A3 (ATPase Na+/K+ transporting subunit alpha 3; minus strand). Cytogenetic location: 19q13.2.
Variant type: single nucleotide variant.
Coding change: c.2723G>C on transcript NM_152296.5 (MANE Select); coding-DNA position 2723, G replaced by C.
Protein change: p.Cys908Ser; replaces cysteine 908 with serine.
Molecular consequence: missense variant.
Genome position (GRCh38, 1-based): chr19:41,968,881, C>G on the plus strand (G>C on the coding strand, the complement: ATP1A3 is on the minus strand). VCF-style: chr19-41968881-C-G. GRCh37 (hg19) VCF-style: chr19-42473033-C-G.
Other names: c.2756G>C, p.Cys919Ser (NM_001256213.2); c.2762G>C, p.Cys921Ser (NM_001256214.2); short protein forms C921S, C908S, C919S.
Identifiers: ClinVar variation 1415589 (VCV001415589.7), dbSNP rs2075072029, ClinGen allele CA406036273.

ClinVar aggregate classification (germline): Uncertain significance. Review status: criteria provided, multiple submitters, no conflicts (2 of 4 stars). 2 submissions from 2 submitters: Uncertain significance (2). Last evaluated 2021-09-09.

Conditions:
Dystonia 12 (DYT12). Also called: Rapid-Onset Dystonia-Parkinsonism (RDP); DYT-ATP1A3. Identifiers: Orphanet 71517, MedGen C1868681, MONDO:0007496, OMIM 128235.

Submissions (2):

Labcorp Genetics (formerly Invitae), Labcorp
Classification: Uncertain significance for Dystonia 12. Last evaluated: 2021-09-09. Review status: criteria provided, single submitter. Criteria: Invitae Variant Classification Sherloc (09022015). Collection method: clinical testing. Allele origin: germline.
Comment: In summary, the available evidence is currently insufficient to determine the role of this variant in disease. Therefore, it has been classified as a Variant of Uncertain Significance. Advanced modeling of protein sequence and biophysical properties (such as structural, functional, and spatial information, amino acid conservation, physicochemical variation, residue mobility, and thermodynamic stability) performed at Invitae indicates that this missense variant is expected to disrupt ATP1A3 protein function. This variant has not been reported in the literature in individuals affected with ATP1A3-related conditions. This variant is not present in population databases (ExAC no frequency). This sequence change replaces cysteine with serine at codon 908 of the ATP1A3 protein (p.Cys908Ser). The cysteine residue is moderately conserved and there is a moderate physicochemical difference between cysteine and serine.

Blueprint Genetics
Classification: Uncertain significance. Last evaluated: 2021-07-14. Review status: criteria provided, single submitter. Criteria: ACMG Guidelines, 2015. Collection method: clinical testing. Allele origin: germline.